The following is an entry in ClinVar:

ClinVar aggregate classification (germline): Uncertain significance (1 of 4 stars; one submission).

Conditions:
Inborn genetic diseases. Identifiers: MedGen C0950123, MeSH D030342.

gnomAD v4.1: 1 of 1,614,196 alleles (0.000062%); highest among the groups gnomAD compares: Admixed American, 0.0017%; no homozygotes.

Submission:

Ambry Genetics
Classification: Uncertain significance for Inborn genetic diseases. Last evaluated: 2024-07-09. Review status: criteria provided, single submitter. Criteria: Ambry Variant Classification Scheme 2023. Collection method: clinical testing. Allele origin: germline.
Comment: The p.V502M variant (also known as c.1504G>A), located in coding exon 16 of the ERCC2 gene, results from a G to A substitution at nucleotide position 1504. The valine at codon 502 is replaced by methionine, an amino acid with highly similar properties. This amino acid position is conserved. In addition, the in silico prediction for this alteration is inconclusive. Based on the available evidence, the clinical significance of this variant remains unclear.

NM_000400.4(ERCC2):c.1504G>A (p.Val502Met)

Gene: ERCC2 (ERCC excision repair 2, TFIIH core complex helicase subunit; minus strand). Cytogenetic location: 19q13.32.
Variant type: single nucleotide variant.
Coding change: c.1504G>A on transcript NM_000400.4 (MANE Select); coding-DNA position 1504, G replaced by A.
Protein change: p.Val502Met; replaces valine 502 with methionine.
Molecular consequence: missense variant.
Genome position (GRCh38, 1-based): chr19:45,355,704, C>T on the plus strand (G>A on the coding strand, the complement: ERCC2 is on the minus strand). VCF-style: chr19-45355704-C-T. GRCh37 (hg19) VCF-style: chr19-45858962-C-T.
Other names: short protein forms V502M.
Identifiers: ClinVar variation 3509827 (VCV003509827.1).